The following is an entry in ClinVar:

ClinVar aggregate classification (germline): Uncertain significance. Review status: criteria provided, multiple submitters, no conflicts (2 of 4 stars). 2 submissions from 2 submitters: Uncertain significance (2). Last evaluated 2025-02-13.

Conditions:
Epilepsy. Also called: Seizure disorder. Identifiers: MedGen C0014544, MeSH D004827, MONDO:0005027.
Inborn genetic diseases. Identifiers: MedGen C0950123, MeSH D030342.

Allele frequency attached by ClinVar (database versions not stated): ExAC 0.00001; gnomAD exomes 0.00002 and 0.00006; TOPMed 0.00010; gnomAD 0.00017 and 0.00018.
gnomAD v4.1: 50 of 1,605,550 alleles (0.0031%); highest among the groups gnomAD compares: Admixed American, 0.061%; no homozygotes.

Submissions (2):

Ambry Genetics
Classification: Uncertain significance for Inborn genetic diseases. Last evaluated: 2025-02-13. Review status: criteria provided, single submitter. Criteria: Ambry Variant Classification Scheme 2023. Collection method: clinical testing. Allele origin: germline.

Labcorp Genetics (formerly Invitae), Labcorp
Classification: Uncertain significance for Epilepsy. Last evaluated: 2022-10-03. Review status: criteria provided, single submitter. Criteria: Invitae Variant Classification Sherloc (09022015). Collection method: clinical testing. Allele origin: germline.
Comment: This sequence change replaces threonine, which is neutral and polar, with alanine, which is neutral and non-polar, at codon 156 of the PIGQ protein (p.Thr156Ala). This variant is present in population databases (rs761546913, gnomAD 0.04%). This variant has not been reported in the literature in individuals affected with PIGQ-related conditions. ClinVar contains an entry for this variant (Variation ID: 1440644). Algorithms developed to predict the effect of missense changes on protein structure and function output the following: SIFT: "Tolerated"; PolyPhen-2: "Benign"; Align-GVGD: "Class C0". The alanine amino acid residue is found in multiple mammalian species, which suggests that this missense change does not adversely affect protein function. In summary, the available evidence is currently insufficient to determine the role of this variant in disease. Therefore, it has been classified as a Variant of Uncertain Significance.

NM_004204.5(PIGQ):c.466A>G (p.Thr156Ala)

Gene: PIGQ (phosphatidylinositol glycan anchor biosynthesis class Q; plus strand). Cytogenetic location: 16p13.3.
Variant type: single nucleotide variant.
Coding change: c.466A>G on transcript NM_004204.5 (MANE Select); coding-DNA position 466, A replaced by G.
Protein change: p.Thr156Ala; replaces threonine 156 with alanine.
Molecular consequence: missense variant.
Genome position (GRCh38, 1-based): chr16:574,540, A>G. VCF-style: chr16-574540-A-G. GRCh37 (hg19) VCF-style: chr16-624540-A-G.
Other names: c.466A>G (NM_148920.1); c.466A>G, p.Thr156Ala (NM_148920.4); short protein forms T156A.
Identifiers: ClinVar variation 1440644 (VCV001440644.7), dbSNP rs761546913, ClinGen allele CA7779873.